The following is an entry in ClinVar:

NM_000237.3(LPL):c.400G>T (p.Asp134Tyr)

Gene: LPL (lipoprotein lipase; plus strand). Cytogenetic location: 8p21.3.
Variant type: single nucleotide variant.
Coding change: c.400G>T on transcript NM_000237.3 (MANE Select); coding-DNA position 400, G replaced by T.
Protein change: p.Asp134Tyr; replaces aspartic acid 134 with tyrosine.
Molecular consequence: missense variant.
Genome position (GRCh38, 1-based): chr8:19,951,919, G>T. VCF-style: chr8-19951919-G-T. GRCh37 (hg19) VCF-style: chr8-19809430-G-T.
Other names: short protein forms D134Y.
Identifiers: ClinVar variation 4048221 (VCV004048221.1).
Genomic context (GRCh38, chr8:19,951,919, plus strand): 5'-CTGTCACGGGCTCAGGAGCATTACCCAGTGTCCGCGGGCTACACCAAACTGGTGGGACAG[G>T]ATGTGGCCCGGTTTATCAACTGGATGGAGGTAAGACTGGGAGAAGGAGACTTATGTGTCC-3'
Protein context (NP_000228.1, residues 124-144): SAGYTKLVGQ[Asp134Tyr]VARFINWMEE

ClinVar aggregate classification (germline): Uncertain significance (1 of 4 stars; one submission).

Conditions:
Cardiovascular phenotype. Identifiers: MedGen CN230736.

Submission:

Ambry Genetics
Classification: Uncertain significance for Cardiovascular phenotype. Last evaluated: 2025-05-02. Review status: criteria provided, single submitter. Criteria: Ambry Variant Classification Scheme 2023. Collection method: clinical testing. Allele origin: germline.
Comment: The p.D134Y variant (also known as c.400G>T), located in coding exon 3 of the LPL gene, results from a G to T substitution at nucleotide position 400. The aspartic acid at codon 134 is replaced by tyrosine, an amino acid with highly dissimilar properties. This amino acid position is conserved. In addition, this alteration is predicted to be deleterious by in silico analysis. Based on the available evidence, the clinical significance of this variant remains unclear.